The following is an entry in ClinVar:

NM_006158.5(NEFL):c.1185C>T (p.Gly395=)

Gene: NEFL (neurofilament light chain; minus strand). Cytogenetic location: 8p21.2.
Variant type: single nucleotide variant.
Coding change: c.1185C>T on transcript NM_006158.5 (MANE Select); coding-DNA position 1185, C replaced by T.
Protein change: p.Gly395=; no amino-acid change (glycine 395 retained).
Molecular consequence: synonymous variant.
Genome position (GRCh38, 1-based): chr8:24,953,780, G>A on the plus strand (C>T on the coding strand, the complement: NEFL is on the minus strand). VCF-style: chr8-24953780-G-A. GRCh37 (hg19) VCF-style: chr8-24811294-G-A.
Identifiers: ClinVar variation 533514 (VCV000533514.22), dbSNP rs751512030, ClinGen allele CA4681317.

ClinVar aggregate classification (germline): Likely benign. Review status: criteria provided, multiple submitters, no conflicts (2 of 4 stars). 2 submissions from 2 submitters: Likely benign (2). Last evaluated 2024-07-01.

Conditions:
Charcot-Marie-Tooth disease type 2E (CMT2E). Also called: CHARCOT-MARIE-TOOTH DISEASE, AXONAL, TYPE 2E; CHARCOT-MARIE-TOOTH NEUROPATHY, TYPE 2E. Identifiers: Orphanet 99939, MedGen C1843225, MONDO:0011894, OMIM 607684.

Allele frequency attached by ClinVar (database versions not stated): TOPMed 0.00003.

Submissions (2):

CeGaT Center for Human Genetics Tuebingen
Classification: Likely benign. Last evaluated: 2024-07-01. Review status: criteria provided, single submitter. Criteria: CeGaT Center For Human Genetics Tuebingen Variant Classification Criteria Version 2. Collection method: clinical testing. Allele origin: germline. Affected: yes. Observed: 1 variant allele.
Comment: NEFL: BP4, BP7

Labcorp Genetics (formerly Invitae), Labcorp
Classification: Likely benign for Charcot-Marie-Tooth disease type 2E. Last evaluated: 2023-10-03. Review status: criteria provided, single submitter. Criteria: Invitae Variant Classification Sherloc (09022015). Collection method: clinical testing. Allele origin: germline.